The following is an entry in ClinVar:

NM_022916.6(VPS33A):c.1783C>A (p.Pro595Thr)

Gene: VPS33A (VPS33A core subunit of CORVET and HOPS complexes; minus strand). Cytogenetic location: 12q24.31.
Variant type: single nucleotide variant.
Coding change: c.1783C>A on transcript NM_022916.6 (MANE Select); coding-DNA position 1783, C replaced by A.
Protein change: p.Pro595Thr; replaces proline 595 with threonine.
Molecular consequence: missense variant.
Genome position (GRCh38, 1-based): chr12:122,232,254, G>T on the plus strand (C>A on the coding strand, the complement: VPS33A is on the minus strand). VCF-style: chr12-122232254-G-T. GRCh37 (hg19) VCF-style: chr12-122716801-G-T.
Other names: c.1750C>A, p.Pro584Thr (NM_001351018.2); c.1735C>A, p.Pro579Thr (NM_001351019.2); c.1462C>A, p.Pro488Thr (NM_001351020.2); short protein forms P584T, P595T, P579T, P488T.
Identifiers: ClinVar variation 2068739 (VCV002068739.1), dbSNP rs200158890, ClinGen allele CA6844226.

ClinVar aggregate classification (germline): Uncertain significance (1 of 4 stars; one submission).

Allele frequency attached by ClinVar (database versions not stated): ExAC 0.00007; gnomAD 0.00013; TOPMed 0.00014.
gnomAD v4.1: 369 of 1,610,884 alleles (0.023%); highest among the groups gnomAD compares: Non-Finnish European, 0.028%; no homozygotes.

Submission:

Labcorp Genetics (formerly Invitae), Labcorp
Classification: Uncertain significance. Last evaluated: 2021-12-15. Review status: criteria provided, single submitter. Criteria: Invitae Variant Classification Sherloc (09022015). Collection method: clinical testing. Allele origin: germline.
Comment: This sequence change replaces proline, which is neutral and non-polar, with threonine, which is neutral and polar, at codon 595 of the VPS33A protein (p.Pro595Thr). This variant is present in population databases (rs200158890, gnomAD 0.01%). This variant has not been reported in the literature in individuals affected with VPS33A-related conditions. Algorithms developed to predict the effect of missense changes on protein structure and function output the following: SIFT: "Deleterious"; PolyPhen-2: "Possibly Damaging"; Align-GVGD: "Class C0". The threonine amino acid residue is found in multiple mammalian species, which suggests that this missense change does not adversely affect protein function. In summary, the available evidence is currently insufficient to determine the role of this variant in disease. Therefore, it has been classified as a Variant of Uncertain Significance.